The following is an entry in ClinVar:

NM_013296.5(GPSM2):c.380G>A (p.Arg127Gln)

Gene: GPSM2 (G protein signaling modulator 2; plus strand). Cytogenetic location: 1p13.3.
Variant type: single nucleotide variant.
Coding change: c.380G>A on transcript NM_013296.5 (MANE Select); coding-DNA position 380, G replaced by A.
Protein change: p.Arg127Gln; replaces arginine 127 with glutamine.
Molecular consequence: missense variant.
Genome position (GRCh38, 1-based): chr1:108,897,593, G>A. VCF-style: chr1-108897593-G-A. GRCh37 (hg19) VCF-style: chr1-109440215-G-A.
Other names: c.380G>A, p.Arg127Gln (NM_001321038.2, NM_001321039.3); short protein forms R127Q.
Identifiers: ClinVar variation 45568 (VCV000045568.21), dbSNP rs41279678, ClinGen allele CA136668.

ClinVar aggregate classification (germline): Benign/Likely benign. Review status: criteria provided, multiple submitters, no conflicts (2 of 4 stars). 9 submissions from 9 submitters: Benign (7); Likely benign (2). Last evaluated 2026-02-01.

Conditions:
Chudley-McCullough syndrome (CMCS). Also called: DEAFNESS, SENSORINEURAL, WITH PARTIAL AGENESIS OF THE CORPUS CALLOSUM AND ARACHNOID CYSTS; Deafness, autosomal recessive 82. Identifiers: Orphanet 314597, MedGen C1858695, MONDO:0011411, OMIM 604213.

Allele frequency attached by ClinVar (database versions not stated): 1000 Genomes Project 0.06889; 1000 Genomes Project 30x 0.07105; gnomAD exomes 0.08323 and 0.09217; ExAC 0.08648; TOPMed 0.08952; gnomAD 0.09453 and 0.09671; ESP Exome Variant Server 0.09803.
gnomAD v4.1: 148,932 of 1,612,658 alleles (9.2%); highest among the groups gnomAD compares: African/African-American, 10%; 7,491 homozygotes.

Submissions (9):

Labcorp Genetics (formerly Invitae), Labcorp
Classification: Benign. Last evaluated: 2026-02-01. Review status: criteria provided, single submitter. Criteria: Invitae Variant Classification Sherloc (09022015). Collection method: clinical testing. Allele origin: germline.

Blueprint Genetics
Classification: Benign. Last evaluated: 2024-11-26. Review status: criteria provided, single submitter. Criteria: ACMG Guidelines, 2015. Collection method: clinical testing. Allele origin: germline.

Genome-Nilou Lab
Classification: Benign for Chudley-McCullough syndrome. Last evaluated: 2021-08-10. Review status: criteria provided, single submitter. Criteria: ACMG Guidelines, 2015. Collection method: clinical testing. Allele origin: germline. Affected: no.

Mayo Clinic Laboratories, Mayo Clinic
Classification: Benign. Last evaluated: 2020-10-20. Review status: criteria provided, single submitter. Criteria: ACMG Guidelines, 2015. Collection method: clinical testing. Allele origin: germline. Observed: 31 variant alleles.

Illumina Laboratory Services, Illumina
Classification: Likely benign for Chudley-McCullough syndrome. Last evaluated: 2018-01-13. Review status: criteria provided, single submitter. Criteria: ICSL Variant Classification Criteria 13 December 2019. Collection method: clinical testing. Allele origin: germline.
Comment: This variant was observed in the ICSL laboratory as part of a predisposition screen in an ostensibly healthy population. It had not been previously curated by ICSL or reported in the Human Gene Mutation Database (HGMD: prior to June 1st, 2018), and was therefore a candidate for classification through an automated scoring system. Utilizing variant allele frequency, disease prevalence and penetrance estimates, and inheritance mode, an automated score was calculated to assess if this variant is too frequent to cause the disease. Based on the score and internal cut-off values, a variant classified as likely benign is not then subjected to further curation. The score for this variant resulted in a classification of likely benign for this disease.

GeneDx
Classification: Benign. Last evaluated: 2016-01-14. Review status: criteria provided, single submitter. Criteria: GeneDx Variant Classification (06012015). Collection method: clinical testing. Allele origin: germline. Affected: yes.
Comment: This variant is considered likely benign or benign based on one or more of the following criteria: it is a conservative change, it occurs at a poorly conserved position in the protein, it is predicted to be benign by multiple in silico algorithms, and/or has population frequency not consistent with disease.

Laboratory for Molecular Medicine, Mass General Brigham Personalized Medicine
Classification: Benign. Last evaluated: 2012-05-07. Review status: criteria provided, single submitter. Criteria: LMM Criteria. Collection method: clinical testing. Allele origin: germline. Observed: 288 variant alleles.
Comment: Arg127Gln in Exon 04 of GPSM2: This variant is not expected to have clinical sig nificance because it has been identified in 10.3% (385/3738) of African American chromosomes from a broad population by the NHLBI Exome Sequencing Project (dbSNP rs41279678).

Breakthrough Genomics
Classification: Likely benign. Review status: criteria provided, single submitter. Criteria: ACMG Guidelines, 2015. Collection method: not provided. Allele origin: germline. Inheritance: Autosomal recessive inheritance. Affected: yes.

PreventionGenetics, part of Exact Sciences
Classification: Benign. Review status: criteria provided, single submitter. Criteria: ACMG Guidelines, 2015. Collection method: clinical testing. Allele origin: germline.